The following is an entry in ClinVar:

ClinVar aggregate classification (germline): Uncertain significance (1 of 4 stars; one submission).

Conditions:
Hereditary cancer-predisposing syndrome. Also called: Tumor predisposition; Hereditary neoplastic syndrome; Hereditary Cancer Syndrome; Neoplastic Syndromes, Hereditary. Identifiers: Orphanet 140162, MedGen C0027672, MeSH D009386, MONDO:0015356.

Submission:

Color Diagnostics, LLC DBA Color Health
Classification: Uncertain significance for Hereditary cancer-predisposing syndrome. Last evaluated: 2020-12-20. Review status: criteria provided, single submitter. Criteria: ACMG Guidelines, 2015. Collection method: clinical testing. Allele origin: germline.
Comment: This variant causes in an in-frame deletion of one amino acid in exon 11 of the BRCA2 protein. To our knowledge, functional studies have not been reported for this variant. This variant has not been reported in individuals affected with hereditary cancer in the literature. This variant has been identified in 1/250424 chromosomes in the general population by the Genome Aggregation Database (gnomAD). The available evidence is insufficient to determine the role of this variant in disease conclusively. Therefore, this variant is classified as a Variant of Uncertain Significance.

NM_000059.4(BRCA2):c.5675GTT[1] (p.Cys1893del)

Gene: BRCA2 (BRCA2 DNA repair associated; plus strand). Cytogenetic location: 13q13.1.
Variant type: Microsatellite.
Coding change: c.5675GTT[1] on transcript NM_000059.4 (MANE Select); one copy of the 3-base unit GTT starting at c.5675; the reference has two copies in a row; one copy, 3 bases deleted.
Protein change: p.Cys1893del; deletes cysteine 1893.
Molecular consequence: inframe deletion.
Genome position (GRCh38, 1-based): chr13:32,340,033-32,340,035, GTT deleted; deleting any 3 consecutive bases within chr13:32,340,030-32,340,035 gives the same sequence; the position shown is the placement nearest the transcript's 3' end. VCF-style (leftmost placement, unchanged base first): chr13-32340029-GGTT-G. GRCh37 (hg19) VCF-style: chr13-32914166-GGTT-G.
Other names: short protein forms C1893del.
Identifiers: ClinVar variation 1171643 (VCV001171643.2), dbSNP rs1566232944, ClinGen allele CA919242548.